The following is an entry in ClinVar:

NM_177924.5(ASAH1):c.718A>C (p.Ile240Leu)

Gene: ASAH1 (N-acylsphingosine amidohydrolase 1; minus strand). Cytogenetic location: 8p22.
Variant type: single nucleotide variant.
Coding change: c.718A>C on transcript NM_177924.5 (MANE Select); coding-DNA position 718, A replaced by C.
Protein change: p.Ile240Leu; replaces isoleucine 240 with leucine.
Molecular consequence: missense variant.
Genome position (GRCh38, 1-based): chr8:18,061,444, T>G on the plus strand (A>C on the coding strand, the complement: ASAH1 is on the minus strand). VCF-style: chr8-18061444-T-G. GRCh37 (hg19) VCF-style: chr8-17918953-T-G.
Other names: c.700A>C, p.Ile234Leu (NM_001127505.3); c.523A>C, p.Ile175Leu (NM_001363743.2); c.766A>C, p.Ile256Leu (NM_004315.6); short protein forms I175L, I240L, I256L, I234L.
Identifiers: ClinVar variation 909345 (VCV000909345.9), dbSNP rs374187681, ClinGen allele CA4650698.

ClinVar aggregate classification (germline): Uncertain significance. Review status: criteria provided, multiple submitters, no conflicts (2 of 4 stars). 4 submissions from 4 submitters: Uncertain significance (4). Last evaluated 2025-02-03.

Conditions:
Spinal muscular atrophy-progressive myoclonic epilepsy syndrome. Also called: MYOCLONUS, HEREDITARY, WITH PROGRESSIVE DISTAL MUSCULAR ATROPHY; Hereditary myoclonus and progressive distal muscular atrophy; Spinal muscular atrophy with progressive myoclonic epilepsy; Spinal Muscular Atrophy with Progressive Myoclonic Epilepsy (SMA-PME). Identifiers: Orphanet 2590, MedGen C1834569, MONDO:0008045, OMIM 159950.
Farber lipogranulomatosis (FRBRL). Also called: Farber's lipogranulomatosis; Farber's disease; Farber disease; AC DEFICIENCY; ACID CERAMIDASE DEFICIENCY; CERAMIDASE DEFICIENCY. Identifiers: Orphanet 333, MedGen C0268255, MONDO:0009218, OMIM 228000.

Allele frequency attached by ClinVar (database versions not stated): ESP Exome Variant Server 0.00008; gnomAD exomes 0.00008; ExAC 0.00012; gnomAD 0.00014 and 0.00019; TOPMed 0.00014.
gnomAD v4.1: 140 of 1,612,400 alleles (0.0087%); highest among the groups gnomAD compares: Middle Eastern, 0.033%; 1 homozygote.

Submissions (4):

Labcorp Genetics (formerly Invitae), Labcorp
Classification: Uncertain significance. Last evaluated: 2025-02-03. Review status: criteria provided, single submitter. Criteria: Invitae Variant Classification Sherloc (09022015). Collection method: clinical testing. Allele origin: germline.
Comment: This sequence change replaces isoleucine, which is neutral and non-polar, with leucine, which is neutral and non-polar, at codon 240 of the ASAH1 protein (p.Ile240Leu). This variant is present in population databases (rs374187681, gnomAD 0.02%). This missense change has been observed in individual(s) with ASAH1-related conditions (internal data). It has also been observed to segregate with disease in related individuals. ClinVar contains an entry for this variant (Variation ID: 909345). Invitae Evidence Modeling of protein sequence and biophysical properties (such as structural, functional, and spatial information, amino acid conservation, physicochemical variation, residue mobility, and thermodynamic stability) indicates that this missense variant is not expected to disrupt ASAH1 protein function with a negative predictive value of 80%. In summary, the available evidence is currently insufficient to determine the role of this variant in disease. Therefore, it has been classified as a Variant of Uncertain Significance.

Blueprint Genetics
Classification: Uncertain significance. Last evaluated: 2024-09-06. Review status: criteria provided, single submitter. Criteria: ACMG Guidelines, 2015. Collection method: clinical testing. Allele origin: germline.

Fulgent Genetics
Classification: Uncertain significance for Spinal muscular atrophy-progressive myoclonic epilepsy syndrome; Farber lipogranulomatosis. Last evaluated: 2021-10-07. Review status: criteria provided, single submitter. Criteria: ACMG Guidelines, 2015. Collection method: clinical testing. Allele origin: unknown.

Illumina Laboratory Services, Illumina
Classification: Uncertain significance for Farber lipogranulomatosis. Last evaluated: 2018-01-13. Review status: criteria provided, single submitter. Criteria: ICSL Variant Classification Criteria 13 December 2019. Collection method: clinical testing. Allele origin: germline.